The following is an entry in ClinVar:

ClinVar aggregate classification (germline): Uncertain significance. Review status: criteria provided, multiple submitters, no conflicts (2 of 4 stars). 3 submissions from 3 submitters: Uncertain significance (3). Last evaluated 2025-10-01.

Conditions:
Cardiovascular phenotype. Identifiers: MedGen CN230736.
RASopathy. Also called: rasopathies; Noonan spectrum disorder. Identifiers: Orphanet 536391, MedGen C5555857, MONDO:0021060.

Allele frequency attached by ClinVar (database versions not stated): gnomAD exomes below 0.00001; ExAC 0.00001; gnomAD 0.00001; TOPMed 0.00002.

Submissions (3):

Labcorp Genetics (formerly Invitae), Labcorp
Classification: Uncertain significance for RASopathy. Last evaluated: 2025-10-01. Review status: criteria provided, single submitter. Criteria: Invitae Variant Classification Sherloc (09022015). Collection method: clinical testing. Allele origin: germline.
Comment: This sequence change replaces methionine, which is neutral and non-polar, with valine, which is neutral and non-polar, at codon 149 of the SHOC2 protein (p.Met149Val). This variant is present in population databases (rs766550166, gnomAD 0.01%). This variant has not been reported in the literature in individuals affected with SHOC2-related conditions. ClinVar contains an entry for this variant (Variation ID: 452915). Invitae Evidence Modeling of protein sequence and biophysical properties (such as structural, functional, and spatial information, amino acid conservation, physicochemical variation, residue mobility, and thermodynamic stability) indicates that this missense variant is not expected to disrupt SHOC2 protein function with a negative predictive value of 80%. In summary, the available evidence is currently insufficient to determine the role of this variant in disease. Therefore, it has been classified as a Variant of Uncertain Significance.

Ambry Genetics
Classification: Uncertain significance for Cardiovascular phenotype. Last evaluated: 2023-10-05. Review status: criteria provided, single submitter. Criteria: Ambry Variant Classification Scheme 2023. Collection method: clinical testing. Allele origin: germline.
Comment: The p.M149V variant (also known as c.445A>G), located in coding exon 1 of the SHOC2 gene, results from an A to G substitution at nucleotide position 445. The methionine at codon 149 is replaced by valine, an amino acid with highly similar properties. This amino acid position is conserved. In addition, this alteration is predicted to be tolerated by in silico analysis. Since supporting evidence is limited at this time, the clinical significance of this alteration remains unclear.

GeneDx
Classification: Uncertain significance. Last evaluated: 2017-10-18. Review status: criteria provided, single submitter. Criteria: GeneDx Variant Classification (06012015). Collection method: clinical testing. Allele origin: germline. Affected: yes.
Comment: The M194V variant has not been published as a pathogenic variant, nor has it been reported as a benign variant to our knowledge. The M194V variant is observed in 3/24020 (0.013%) alleles from individuals of African background, in large population cohorts (Lek et al., 2016). The M194V variant is a conservative amino acid substitution, which is not likely to impact secondary protein structure as these residues share similar properties. This substitution occurs at a position where amino acids with similar properties to Methionine are tolerated across species. In silico analysis predicts this variant likely does not alter the protein structure/function. In addition, the only well-defined pathogenic variant in the SHOC2 gene known to cause a RASopathy is c.4 A>G (p.Ser2Gly). In summary, based on the currently available information, it is unclear whether this variant is a pathogenic variant or a rare benign variant.

NM_007373.4(SHOC2):c.445A>G (p.Met149Val)

Gene: SHOC2 (SHOC2 leucine rich repeat scaffold protein; plus strand). Cytogenetic location: 10q25.2.
Variant type: single nucleotide variant.
Coding change: c.445A>G on transcript NM_007373.4 (MANE Select); coding-DNA position 445, A replaced by G.
Protein change: p.Met149Val; replaces methionine 149 with valine.
Molecular consequence: missense variant.
Genome position (GRCh38, 1-based): chr10:110,964,803, A>G. VCF-style: chr10-110964803-A-G. GRCh37 (hg19) VCF-style: chr10-112724561-A-G.
Other names: c.445A>G, p.Met149Val (NM_001269039.3, NM_001324336.2, NM_001324337.2); short protein forms M149V.
Identifiers: ClinVar variation 452915 (VCV000452915.10), dbSNP rs766550166, ClinGen allele CA5689591.